The following is an entry in ClinVar:

ClinVar aggregate classification (germline): Uncertain significance (1 of 4 stars; one submission).

Conditions:
Inborn genetic diseases. Identifiers: MedGen C0950123, MeSH D030342.

Submission:

Ambry Genetics
Classification: Uncertain significance for Inborn genetic diseases. Last evaluated: 2026-06-22. Review status: criteria provided, single submitter. Criteria: Ambry Variant Classification Scheme 2023. Collection method: clinical testing. Allele origin: germline.
Comment: The p.E918K variant (also known as c.2752G>A), located in coding exon 1 of the SAMD9L gene, results from a G to A substitution at nucleotide position 2752. The glutamic acid at codon 918 is replaced by lysine, an amino acid with similar properties. This amino acid position is conserved. In addition, this alteration is predicted to be tolerated by in silico analysis. Based on the available evidence, the clinical significance of this variant remains unclear.

NM_152703.5(SAMD9L):c.2752G>A (p.Glu918Lys)

Gene: SAMD9L (sterile alpha motif domain containing 9 like; minus strand). Cytogenetic location: 7q21.2.
Variant type: single nucleotide variant.
Coding change: c.2752G>A on transcript NM_152703.5 (MANE Select); coding-DNA position 2752, G replaced by A.
Protein change: p.Glu918Lys; replaces glutamic acid 918 with lysine.
Molecular consequence: missense variant.
Genome position (GRCh38, 1-based): chr7:93,133,220, C>T on the plus strand (G>A on the coding strand, the complement: SAMD9L is on the minus strand). VCF-style: chr7-93133220-C-T. GRCh37 (hg19) VCF-style: chr7-92762533-C-T.
Other names: c.2752G>A, p.Glu918Lys (NM_001303496.3, NM_001303497.3, NM_001303498.3 and 5 more transcripts); short protein forms E918K.
Identifiers: ClinVar variation 5028847 (VCV005028847.1).